The following is an entry in ClinVar:

NM_001042492.3(NF1):c.3273T>A (p.Asp1091Glu)

Gene: NF1 (neurofibromin 1; plus strand). Cytogenetic location: 17q11.2.
Variant type: single nucleotide variant.
Coding change: c.3273T>A on transcript NM_001042492.3 (MANE Select); coding-DNA position 3273, T replaced by A.
Protein change: p.Asp1091Glu; replaces aspartic acid 1091 with glutamic acid.
Molecular consequence: missense variant.
Genome position (GRCh38, 1-based): chr17:31,232,148, T>A. VCF-style: chr17-31232148-T-A. GRCh37 (hg19) VCF-style: chr17-29559166-T-A.
Other names: c.3273T>A, p.Asp1091Glu (NM_000267.4); short protein forms D1091E.
Identifiers: ClinVar variation 429004 (VCV000429004.6), dbSNP rs1131691124, ClinGen allele CA398988848.
Genomic context (GRCh38, chr17:31,232,148, plus strand): 5'-AAGCATGGAAGCAGTAGTTTCACTTCTAGCTGGTCTCCCTCTGCAGCCTGAAGAAGGAGA[T>A]GGTGTGGAATTGATGGAAGCCAAATCACAGTTATTTCTTAAGTAAATTTCAGTCACCAAA-3'
Protein context (NP_001035957.1, residues 1081-1101): AGLPLQPEEG[Asp1091Glu]GVELMEAKSQ

ClinVar aggregate classification (germline): Uncertain significance. Review status: criteria provided, multiple submitters, no conflicts (2 of 4 stars). 2 submissions from 2 submitters: Uncertain significance (2). Last evaluated 2024-08-22.

Conditions:
Hereditary cancer-predisposing syndrome. Also called: Tumor predisposition; Hereditary Cancer Syndrome; Hereditary neoplastic syndrome; Neoplastic Syndromes, Hereditary. Identifiers: Orphanet 140162, MedGen C0027672, MeSH D009386, MONDO:0015356.
Cardiovascular phenotype. Identifiers: MedGen CN230736.

Submissions (2):

Blueprint Genetics
Classification: Uncertain significance. Last evaluated: 2024-08-22. Review status: criteria provided, single submitter. Criteria: ACMG Guidelines, 2015. Collection method: clinical testing. Allele origin: germline.

Ambry Genetics
Classification: Uncertain significance for Cardiovascular phenotype; Hereditary cancer-predisposing syndrome. Last evaluated: 2016-08-02. Review status: criteria provided, single submitter. Criteria: Ambry Variant Classification Scheme 2023. Collection method: clinical testing. Allele origin: germline.
Comment: The p.D1091E variant (also known as c.3273T>A), located in coding exon 25 of the NF1 gene, results from a T to A substitution at nucleotide position 3273. The aspartic acid at codon 1091 is replaced by glutamic acid, an amino acid with highly similar properties. This variant was not reported in population based cohorts in the following databases: Database of Single Nucleotide Polymorphisms (dbSNP), NHLBI Exome Sequencing Project (ESP), and 1000 Genomes Project. In the ESP, this variant was not observed in 6503 samples (13006 alleles) with coverage at this position. This amino acid position is highly conserved in available vertebrate species. In addition, this alteration is predicted to be tolerated by in silico analysis. Since supporting evidence is limited at this time, the clinical significance of this variant remains unclear.